The following is an entry in ClinVar:

NM_017671.5(FERMT1):c.1518del (p.Ser507fs)

Gene: FERMT1 (FERM domain containing kindlin 1; minus strand). Cytogenetic location: 20p12.3.
Variant type: Deletion.
Coding change: c.1518del on transcript NM_017671.5 (MANE Select); coding-DNA position 1518, one base deleted (C; older notation c.1518delC).
Protein change: p.Ser507fs; shifts the reading frame from serine 507.
Molecular consequence: frameshift variant.
Genome position (GRCh38, 1-based): chr20:6,085,141, G deleted on the plus strand (C on the coding strand, the reverse complement: FERMT1 is on the minus strand); the first of 2 consecutive G bases (chr20:6,085,141-6,085,142); deleting either gives the same sequence. VCF-style (leftmost placement, unchanged base first): chr20-6085140-TG-T. GRCh37 (hg19) VCF-style: chr20-6065787-TG-T.
Other names: short protein forms S507fs.
Identifiers: ClinVar variation 4057288 (VCV004057288.1).

ClinVar aggregate classification (germline): Likely pathogenic (1 of 4 stars; one submission).

Conditions:
Kindler syndrome (KNDLRS). Also called: BULLOUS ACROKERATOTIC POIKILODERMA OF KINDLER AND WEARY; POIKILODERMA, CONGENITAL, WITH BULLAE, WEARY TYPE; POIKILODERMA, HEREDITARY ACROKERATOTIC; Hereditary acrokeratotic poikiloderma of Weary; Poikiloderma of Kindler; Congenital bullous poikiloderma. Identifiers: Orphanet 2908, Orphanet 306539, MedGen C0406557, MONDO:0008260, OMIM 173650.

Submission:

Diagnostics Services (NGS), CSIR - Centre For Cellular And Molecular Biology
Classification: Likely pathogenic for Kindler syndrome. Last evaluated: 2025-06-19. Review status: criteria provided, single submitter. Criteria: ACMG Guidelines, 2015. Collection method: clinical testing. Allele origin: germline. Affected: yes. Observed: 1 variant allele, 1 homozygote.
Comment: The c.1518del variant is not present in publicly available population databases like 1000 Genomes, EVS, gnomAD, Indian Exome Database or our internal database. This variant has neither been published in the literature for FERMT1-related conditions nor reported to clinical databases like Human Genome Mutation database (HGMD), OMIM, or ClinVar in any affected individuals. In-silico pathogenicity prediction programs like MutationTaster2021, CADD, Franklin, Varsome etc predicted this variant to be likely deleterious. This variant causes frameshift at the 507th amino acid position of the wild-type transcript which creates a premature translational stop signal at the altered transcript that may either result in translation of a truncated protein or cause nonsense mediated decay of the mRNA.